The following is an entry in ClinVar:

ClinVar aggregate classification (germline): Uncertain significance (1 of 4 stars; one submission).

Conditions:
Hereditary cancer-predisposing syndrome. Also called: Neoplastic Syndromes, Hereditary; Tumor predisposition; Hereditary Cancer Syndrome; Hereditary neoplastic syndrome. Identifiers: Orphanet 140162, MedGen C0027672, MeSH D009386, MONDO:0015356.

Submission:

Ambry Genetics
Classification: Uncertain significance for Hereditary cancer-predisposing syndrome. Last evaluated: 2020-11-04. Review status: criteria provided, single submitter. Criteria: Ambry Variant Classification Scheme 2023. Collection method: clinical testing. Allele origin: germline.
Comment: The p.L233P variant (also known as c.698T>C), located in coding exon 8 of the NF2 gene, results from a T to C substitution at nucleotide position 698. The leucine at codon 233 is replaced by proline, an amino acid with similar properties. This amino acid position is highly conserved in available vertebrate species. In addition, this alteration is predicted to be deleterious by in silico analysis. Since supporting evidence is limited at this time, the clinical significance of this alteration remains unclear.

NM_000268.4(NF2):c.698T>C (p.Leu233Pro)

Gene: NF2 (NF2, moesin-ezrin-radixin like (MERLIN) tumor suppressor; plus strand). Cytogenetic location: 22q12.2.
Variant type: single nucleotide variant.
Coding change: c.698T>C on transcript NM_000268.4 (MANE Select); coding-DNA position 698, T replaced by C.
Protein change: p.Leu233Pro; replaces leucine 233 with proline.
Molecular consequence: missense variant. On other transcripts: non-coding transcript variant (1), intron variant (1).
Genome position (GRCh38, 1-based): chr22:29,661,227, T>C. VCF-style: chr22-29661227-T-C. GRCh37 (hg19) VCF-style: chr22-30057216-T-C.
Other names: c.584T>C, p.Leu195Pro (NM_001407053.1, NM_001407056.1); c.575T>C, p.Leu192Pro (NM_001407054.1, NM_001407058.1, NM_181829.3); c.572T>C, p.Leu191Pro (NM_001407055.1, NM_181828.3); c.698T>C, p.Leu233Pro (NM_001407060.1, NM_001407066.1, NM_016418.5 and 2 more transcripts); c.449T>C, p.Leu150Pro (NM_001407063.1, NM_001407064.1, NM_181830.3 and 1 more transcripts); c.164T>C, p.Leu55Pro (NM_001407065.1); c.467T>C, p.Leu156Pro (NM_001407067.1); c.447+18942T>C (NM_181833.3); short protein forms L192P, L150P, L195P, L55P, L156P, L191P, L233P.
Identifiers: ClinVar variation 1756475 (VCV001756475.2), dbSNP rs2147008145, ClinGen allele CA411143740.